The following is an entry in ClinVar:

ClinVar aggregate classification (germline): Uncertain significance. Review status: criteria provided, multiple submitters, no conflicts (2 of 4 stars). 2 submissions from 2 submitters: Uncertain significance (2). Last evaluated 2024-09-03.

Conditions:
Hereditary cancer-predisposing syndrome. Also called: Hereditary neoplastic syndrome; Neoplastic Syndromes, Hereditary; Hereditary Cancer Syndrome; Tumor predisposition. Identifiers: Orphanet 140162, MedGen C0027672, MeSH D009386, MONDO:0015356.

Submissions (2):

Ambry Genetics
Classification: Uncertain significance for Hereditary cancer-predisposing syndrome. Last evaluated: 2024-09-03. Review status: criteria provided, single submitter. Criteria: Ambry Variant Classification Scheme 2023. Collection method: clinical testing. Allele origin: germline.
Comment: The p.I388S variant (also known as c.1163T>G), located in coding exon 7 of the MSH3 gene, results from a T to G substitution at nucleotide position 1163. The isoleucine at codon 388 is replaced by serine, an amino acid with dissimilar properties. This amino acid position is conserved. In addition, this alteration is predicted to be deleterious by in silico analysis. Based on the available evidence, the clinical significance of this variant remains unclear.

Labcorp Genetics (formerly Invitae), Labcorp
Classification: Uncertain significance. Last evaluated: 2022-09-25. Review status: criteria provided, single submitter. Criteria: Invitae Variant Classification Sherloc (09022015). Collection method: clinical testing. Allele origin: germline.
Comment: This sequence change replaces isoleucine, which is neutral and non-polar, with serine, which is neutral and polar, at codon 388 of the MSH3 protein (p.Ile388Ser). This variant is not present in population databases (gnomAD no frequency). This variant has not been reported in the literature in individuals affected with MSH3-related conditions. Algorithms developed to predict the effect of missense changes on protein structure and function (SIFT, PolyPhen-2, Align-GVGD) all suggest that this variant is likely to be disruptive. In summary, the available evidence is currently insufficient to determine the role of this variant in disease. Therefore, it has been classified as a Variant of Uncertain Significance.

NM_002439.5(MSH3):c.1163T>G (p.Ile388Ser)

Gene: MSH3 (mutS homolog 3; plus strand). Cytogenetic location: 5q14.1.
Variant type: single nucleotide variant.
Coding change: c.1163T>G on transcript NM_002439.5 (MANE Select); coding-DNA position 1163, T replaced by G.
Protein change: p.Ile388Ser; replaces isoleucine 388 with serine.
Molecular consequence: missense variant.
Genome position (GRCh38, 1-based): chr5:80,675,118, T>G. VCF-style: chr5-80675118-T-G. GRCh37 (hg19) VCF-style: chr5-79970937-T-G.
Other names: c.1163T>G (NM_002439.3); short protein forms I388S.
Identifiers: ClinVar variation 1720340 (VCV001720340.6), dbSNP rs146475000, ClinGen allele CA360268391.